The following is an entry in ClinVar:

NM_000163.5(GHR):c.561G>A (p.Trp187Ter)

Gene: GHR (growth hormone receptor; plus strand). Cytogenetic location: 5p12.
Variant type: single nucleotide variant.
Coding change: c.561G>A on transcript NM_000163.5 (MANE Select); coding-DNA position 561, G replaced by A.
Protein change: p.Trp187Ter; replaces tryptophan 187 with a stop codon.
Molecular consequence: nonsense.
Genome position (GRCh38, 1-based): chr5:42,699,945, G>A. VCF-style: chr5-42699945-G-A. GRCh37 (hg19) VCF-style: chr5-42700047-G-A.
Other names: c.561G>A, p.Trp187Ter (NM_001242401.4, NM_001242402.2, NM_001242403.3 and 5 more transcripts); c.582G>A, p.Trp194Ter (NM_001242399.2); c.495G>A, p.Trp165Ter (NM_001242460.2); short protein forms W194*, W165*, W187*.
Identifiers: ClinVar variation 3006173 (VCV003006173.3), dbSNP rs1757855150, ClinGen allele CA359695634.

ClinVar aggregate classification (germline): Pathogenic (1 of 4 stars; one submission).

Submission:

Labcorp Genetics (formerly Invitae), Labcorp
Classification: Pathogenic. Last evaluated: 2022-12-31. Review status: criteria provided, single submitter. Criteria: Invitae Variant Classification Sherloc (09022015). Collection method: clinical testing. Allele origin: germline.
Comment: This variant is not present in population databases (gnomAD no frequency). This variant has not been reported in the literature in individuals affected with GHR-related conditions. For these reasons, this variant has been classified as Pathogenic. This sequence change creates a premature translational stop signal (p.Trp187*) in the GHR gene. It is expected to result in an absent or disrupted protein product. Loss-of-function variants in GHR are known to be pathogenic (PMID: 1999489, 8488849).

Literature cited by the submitters: PubMed 1999489; PubMed 8488849.